The following is an entry in ClinVar:

ClinVar aggregate classification (germline): Uncertain significance (1 of 4 stars; one submission).

gnomAD v4.1: 12 of 1,614,102 alleles (0.00074%); highest among the groups gnomAD compares: South Asian, 0.0022%; no homozygotes.

Submission:

Labcorp Genetics (formerly Invitae), Labcorp
Classification: Uncertain significance. Last evaluated: 2025-01-15. Review status: criteria provided, single submitter. Criteria: Invitae Variant Classification Sherloc (09022015). Collection method: clinical testing. Allele origin: germline.
Comment: This sequence change replaces arginine, which is basic and polar, with glutamine, which is neutral and polar, at codon 3093 of the FAT2 protein (p.Arg3093Gln). This variant is present in population databases (no rsID available, gnomAD 0.0009%). This variant has not been reported in the literature in individuals affected with FAT2-related conditions. Invitae Evidence Modeling of protein sequence and biophysical properties (such as structural, functional, and spatial information, amino acid conservation, physicochemical variation, residue mobility, and thermodynamic stability) indicates that this missense variant is not expected to disrupt FAT2 protein function with a negative predictive value of 80%. In summary, the available evidence is currently insufficient to determine the role of this variant in disease. Therefore, it has been classified as a Variant of Uncertain Significance.

NM_001447.3(FAT2):c.9278G>A (p.Arg3093Gln)

Genes: FAT2 (FAT atypical cadherin 2; minus strand), SLC36A1 (solute carrier family 36 member 1; plus strand). Cytogenetic location: 5q33.1.
Variant type: single nucleotide variant.
Coding change: c.9278G>A on transcript NM_001447.3 (MANE Select); coding-DNA position 9278, G replaced by A.
Protein change: p.Arg3093Gln; replaces arginine 3093 with glutamine.
Molecular consequence: missense variant.
Genome position (GRCh38, 1-based): chr5:151,534,558, C>T on the plus strand (G>A on the coding strand, the complement: FAT2 is on the minus strand). VCF-style: chr5-151534558-C-T. GRCh37 (hg19) VCF-style: chr5-150914119-C-T.
Other names: short protein forms R3093Q.
Identifiers: ClinVar variation 3614775 (VCV003614775.2).
Genomic context (GRCh38, chr5:151,534,558, plus strand): 5'-AACCGCGGGGCATTGTCATTCACATCCTCCACATGGAGGGTGATGTCTGCCTGGCACGAT[C>T]GGCCACCTCCATCCGTCGCCTTGGCAACAAGGTTGAACACATCCTTCCTTTCTCGGTCTA-3'
Protein context (NP_001438.1, residues 3083-3103): LVAKATDGGG[Arg3093Gln]SCQADITLHV